The following is an entry in ClinVar:

ClinVar aggregate classification (germline): Uncertain significance (1 of 4 stars; one submission).

Conditions:
Inborn genetic diseases. Identifiers: MedGen C0950123, MeSH D030342.

Submission:

Ambry Genetics
Classification: Uncertain significance for Inborn genetic diseases. Last evaluated: 2025-12-29. Review status: criteria provided, single submitter. Criteria: Ambry Variant Classification Scheme 2023. Collection method: clinical testing. Allele origin: germline.
Comment: The p.G397D variant (also known as c.1190G>A), located in coding exon 7 of the WT1 gene, results from a G to A substitution at nucleotide position 1190. The glycine at codon 397 is replaced by aspartic acid, an amino acid with similar properties. This amino acid position is conserved. In addition, the in silico prediction for this alteration is inconclusive. Based on the available evidence, the clinical significance of this variant remains unclear.

NM_024426.6(WT1):c.1205G>A (p.Gly402Asp)

Gene: WT1 (WT1 transcription factor; minus strand). Cytogenetic location: 11p13.
Variant type: single nucleotide variant.
Coding change: c.1205G>A on transcript NM_024426.6 (MANE Select); coding-DNA position 1205, G replaced by A.
Protein change: p.Gly402Asp; replaces glycine 402 with aspartic acid.
Molecular consequence: missense variant. On other transcripts: non-coding transcript variant (2).
Genome position (GRCh38, 1-based): chr11:32,396,316, C>T on the plus strand (G>A on the coding strand, the complement: WT1 is on the minus strand). VCF-style: chr11-32396316-C-T. GRCh37 (hg19) VCF-style: chr11-32417862-C-T.
Other names: c.1154G>A, p.Gly385Asp (NM_000378.6, NM_001407045.1, NM_001407048.1 and 1 more transcripts); c.554G>A, p.Gly185Asp (NM_001198551.2); c.503G>A, p.Gly168Asp (NM_001198552.2); c.17G>A, p.Gly6Asp (NM_001367854.1); c.1199G>A, p.Gly400Asp (NM_001407044.1); c.1205G>A, p.Gly402Asp (NM_001407046.1, NM_024424.5); c.1082G>A, p.Gly361Asp (NM_001407047.1); c.1031G>A, p.Gly344Asp (NM_001407050.1); and 3 more; short protein forms G185D, G329D, G344D, G397D, G6D, G168D, G312D, G402D.
Identifiers: ClinVar variation 4843808 (VCV004843808.1).